The following is an entry in ClinVar:

ClinVar aggregate classification (germline): Uncertain significance. Review status: criteria provided, multiple submitters, no conflicts (2 of 4 stars). 2 submissions from 2 submitters: Uncertain significance (2). Last evaluated 2025-05-19.

Allele frequency attached by ClinVar (database versions not stated): gnomAD exomes 0.00001.
gnomAD v4.1: 3 of 1,613,494 alleles (0.00019%); highest among the groups gnomAD compares: South Asian, 0.0011%; no homozygotes.

Submissions (2):

Ambry Genetics
Classification: Uncertain significance. Last evaluated: 2025-05-19. Review status: criteria provided, single submitter. Criteria: Ambry Variant Classification Scheme 2023. Collection method: clinical testing. Allele origin: germline.

Labcorp Genetics (formerly Invitae), Labcorp
Classification: Uncertain significance. Last evaluated: 2023-01-15. Review status: criteria provided, single submitter. Criteria: Invitae Variant Classification Sherloc (09022015). Collection method: clinical testing. Allele origin: germline.
Comment: This variant has not been reported in the literature in individuals affected with PIK3C2A-related conditions. In summary, the available evidence is currently insufficient to determine the role of this variant in disease. Therefore, it has been classified as a Variant of Uncertain Significance. Algorithms developed to predict the effect of missense changes on protein structure and function are either unavailable or do not agree on the potential impact of this missense change (SIFT: "Not Available"; PolyPhen-2: "Probably Damaging"; Align-GVGD: "Not Available"). This variant is not present in population databases (gnomAD no frequency). This sequence change replaces tyrosine, which is neutral and polar, with cysteine, which is neutral and slightly polar, at codon 470 of the PIK3C2A protein (p.Tyr470Cys).

NM_002645.4(PIK3C2A):c.1409A>G (p.Tyr470Cys)

Gene: PIK3C2A (phosphatidylinositol-4-phosphate 3-kinase catalytic subunit type 2 alpha; minus strand). Cytogenetic location: 11p15.1.
Variant type: single nucleotide variant.
Coding change: c.1409A>G on transcript NM_002645.4 (MANE Select); coding-DNA position 1409, A replaced by G.
Protein change: p.Tyr470Cys; replaces tyrosine 470 with cysteine.
Molecular consequence: missense variant.
Genome position (GRCh38, 1-based): chr11:17,148,706, T>C on the plus strand (A>G on the coding strand, the complement: PIK3C2A is on the minus strand). VCF-style: chr11-17148706-T-C. GRCh37 (hg19) VCF-style: chr11-17170253-T-C.
Other names: c.1409A>G, p.Tyr470Cys (NM_001321378.2, NM_001386870.1); c.269A>G, p.Tyr90Cys (NM_001321380.2); c.1409A>G (NM_002645.2); short protein forms Y90C, Y470C.
Identifiers: ClinVar variation 2875863 (VCV002875863.2), dbSNP rs2494184370, ClinGen allele CA379766752.
Genomic context (GRCh38, chr11:17,148,706, plus strand): 5'-TCAGTAGTTAAATAAACTTACTTCTGCAGCACTTCCTCTTGACCACAAACTTTTAGAACA[T>C]AGCTGCCAACATCTACTTGATTCAAGTCATCATGTACCCAGCAAAGGGCTTGCATTATAA-3'
Protein context (NP_002636.2, residues 460-480): DDLNQVDVGS[Tyr470Cys]VLKVCGQEEV